The following is an entry in ClinVar:

ClinVar aggregate classification (germline): Uncertain significance (1 of 4 stars; one submission).

Submission:

Labcorp Genetics (formerly Invitae), Labcorp
Classification: Uncertain significance. Last evaluated: 2021-08-07. Review status: criteria provided, single submitter. Criteria: Invitae Variant Classification Sherloc (09022015). Collection method: clinical testing. Allele origin: germline.
Comment: This sequence change replaces tyrosine with histidine at codon 1738 of the SBF1 protein (p.Tyr1738His). The tyrosine residue is moderately conserved and there is a moderate physicochemical difference between tyrosine and histidine. This variant is not present in population databases (ExAC no frequency). This variant has not been reported in the literature in individuals affected with SBF1-related conditions. Algorithms developed to predict the effect of missense changes on protein structure and function are either unavailable or do not agree on the potential impact of this missense change (SIFT: "Tolerated"; PolyPhen-2: "Possibly Damaging"; Align-GVGD: "Class C0"). In summary, the available evidence is currently insufficient to determine the role of this variant in disease. Therefore, it has been classified as a Variant of Uncertain Significance.

NM_002972.4(SBF1):c.5212T>C (p.Tyr1738His)

Gene: SBF1 (SET binding factor 1; minus strand). Cytogenetic location: 22q13.33.
Variant type: single nucleotide variant.
Coding change: c.5212T>C on transcript NM_002972.4 (MANE Select); coding-DNA position 5212, T replaced by C.
Protein change: p.Tyr1738His; replaces tyrosine 1738 with histidine.
Molecular consequence: missense variant.
Genome position (GRCh38, 1-based): chr22:50,448,384, A>G on the plus strand (T>C on the coding strand, the complement: SBF1 is on the minus strand). VCF-style: chr22-50448384-A-G. GRCh37 (hg19) VCF-style: chr22-50886813-A-G.
Other names: c.5137T>C, p.Tyr1713His (NM_001365819.1); short protein forms Y1713H, Y1738H.
Identifiers: ClinVar variation 1471301 (VCV001471301.6), dbSNP rs2148552488, ClinGen allele CA412187170.